The following is an entry in ClinVar:

NM_170707.4(LMNA):c.936+19C>T

Gene: LMNA (lamin A/C; plus strand). Cytogenetic location: 1q22.
Variant type: single nucleotide variant.
Coding change: c.936+19C>T on transcript NM_170707.4 (MANE Select); 19 bases into the intron after coding-DNA position 936, C replaced by T.
Molecular consequence: intron variant.
Genome position (GRCh38, 1-based): chr1:156,135,331, C>T. VCF-style: chr1-156135331-C-T. GRCh37 (hg19) VCF-style: chr1-156105122-C-T.
Other names: c.936+19C>T (NM_001282625.2, NM_001282626.2, NM_170708.4 and 1 more transcripts); c.600+19C>T (NM_001257374.3); c.693+19C>T (NM_001282624.2).
Identifiers: ClinVar variation 1602709 (VCV001602709.11), dbSNP rs201664413, ClinGen allele CA054708.

ClinVar aggregate classification (germline): Likely benign. Review status: criteria provided, multiple submitters, no conflicts (2 of 4 stars). 3 submissions from 3 submitters: Likely benign (3). Last evaluated 2023-09-06.

Conditions:
Charcot-Marie-Tooth disease type 2. Also called: Charcot-Marie-Tooth type 2. Identifiers: Orphanet 64746, MedGen C0270914, MONDO:0018993.

Allele frequency attached by ClinVar (database versions not stated): gnomAD exomes below 0.00001 and 0.00001; gnomAD 0.00001 and 0.00002; TOPMed 0.00001; ExAC 0.00003; 1000 Genomes Project 30x 0.00016; 1000 Genomes Project 0.00020.
gnomAD v4.1: 6 of 1,611,532 alleles (0.00037%); highest among the groups gnomAD compares: East Asian, 0.011%; no homozygotes.

Submissions (3):

Labcorp Genetics (formerly Invitae), Labcorp
Classification: Likely benign for Charcot-Marie-Tooth disease type 2. Last evaluated: 2023-09-06. Review status: criteria provided, single submitter. Criteria: Invitae Variant Classification Sherloc (09022015). Collection method: clinical testing. Allele origin: germline.

Blueprint Genetics
Classification: Likely benign. Last evaluated: 2023-06-06. Review status: criteria provided, single submitter. Criteria: ACMG Guidelines, 2015. Collection method: clinical testing. Allele origin: germline.

GeneDx
Classification: Likely benign. Last evaluated: 2018-07-19. Review status: criteria provided, single submitter. Criteria: GeneDx Variant Classification Process June 2021. Collection method: clinical testing. Allele origin: germline. Affected: yes.
Comment: See Variant Classification Assertion Criteria.